The following is an entry in ClinVar:

NM_001267550.2(TTN):c.36392G>C (p.Arg12131Pro)

Gene: TTN (titin; minus strand). Cytogenetic location: 2q31.2.
Variant type: single nucleotide variant.
Coding change: c.36392G>C on transcript NM_001267550.2 (MANE Select); coding-DNA position 36392, G replaced by C.
Protein change: p.Arg12131Pro; replaces arginine 12131 with proline.
Molecular consequence: missense variant. On other transcripts: intron variant (5).
Genome position (GRCh38, 1-based): chr2:178,663,875, C>G on the plus strand (G>C on the coding strand, the complement: TTN is on the minus strand). VCF-style: chr2-178663875-C-G. GRCh37 (hg19) VCF-style: chr2-179528602-C-G.
Other names: c.13283-21558G>C (NM_003319.4); c.13859-21558G>C (NM_133437.4); c.13658-21558G>C (NM_133432.3); c.31484-820G>C (NM_133378.4); c.34265-820G>C (NM_001256850.1); short protein forms R12131P.
Identifiers: ClinVar variation 3906826 (VCV003906826.1).

ClinVar aggregate classification (germline): Uncertain significance (1 of 4 stars; one submission).

Submission:

GeneDx
Classification: Uncertain significance. Last evaluated: 2024-12-17. Review status: criteria provided, single submitter. Criteria: GeneDx Variant Classification Process June 2021. Collection method: clinical testing. Allele origin: germline. Affected: yes.
Comment: Has not been previously published as pathogenic or benign to our knowledge; Not observed at significant frequency in large population cohorts (gnomAD); Missense variant in a gene in which most reported pathogenic variants are truncating/loss of function